The following is an entry in ClinVar:

ClinVar aggregate classification (germline): Uncertain significance (1 of 4 stars; one submission).

Submission:

Labcorp Genetics (formerly Invitae), Labcorp
Classification: Uncertain significance. Last evaluated: 2024-05-15. Review status: criteria provided, single submitter. Criteria: Invitae Variant Classification Sherloc (09022015). Collection method: clinical testing. Allele origin: germline.
Comment: This sequence change replaces valine, which is neutral and non-polar, with alanine, which is neutral and non-polar, at codon 128 of the CLCN7 protein (p.Val128Ala). This variant is not present in population databases (gnomAD no frequency). This variant has not been reported in the literature in individuals affected with CLCN7-related conditions. Advanced modeling of protein sequence and biophysical properties (such as structural, functional, and spatial information, amino acid conservation, physicochemical variation, residue mobility, and thermodynamic stability) performed at Invitae indicates that this missense variant is not expected to disrupt CLCN7 protein function with a negative predictive value of 95%. In summary, the available evidence is currently insufficient to determine the role of this variant in disease. Therefore, it has been classified as a Variant of Uncertain Significance.

NM_001287.6(CLCN7):c.383T>C (p.Val128Ala)

Gene: CLCN7 (chloride voltage-gated channel 7; minus strand). Cytogenetic location: 16p13.3.
Variant type: single nucleotide variant.
Coding change: c.383T>C on transcript NM_001287.6 (MANE Select); coding-DNA position 383, T replaced by C.
Protein change: p.Val128Ala; replaces valine 128 with alanine.
Molecular consequence: missense variant.
Genome position (GRCh38, 1-based): chr16:1,460,917, A>G on the plus strand (T>C on the coding strand, the complement: CLCN7 is on the minus strand). VCF-style: chr16-1460917-A-G. GRCh37 (hg19) VCF-style: chr16-1510918-A-G.
Other names: c.311T>C, p.Val104Ala (NM_001114331.3); short protein forms V104A, V128A.
Identifiers: ClinVar variation 3637166 (VCV003637166.2).